The following is an entry in ClinVar:

NM_032119.4(ADGRV1):c.8389G>A (p.Val2797Ile)

Gene: ADGRV1 (adhesion G protein-coupled receptor V1; plus strand). Cytogenetic location: 5q14.3.
Variant type: single nucleotide variant.
Coding change: c.8389G>A on transcript NM_032119.4 (MANE Select); coding-DNA position 8389, G replaced by A.
Protein change: p.Val2797Ile; replaces valine 2797 with isoleucine.
Molecular consequence: missense variant. On other transcripts: non-coding transcript variant (1).
Genome position (GRCh38, 1-based): chr5:90,705,402, G>A. VCF-style: chr5-90705402-G-A. GRCh37 (hg19) VCF-style: chr5-90001219-G-A.
Other names: short protein forms V2797I.
Identifiers: ClinVar variation 1949891 (VCV001949891.5), dbSNP rs763583088, ClinGen allele CA3340252.
Genomic context (GRCh38, chr5:90,705,402, plus strand): 5'-TTCCAGCGATTAAAAGCTAATGCCAAATCACTGTTAGATTCCTGCCTGACATTTTTAGGA[G>A]TTCCACCAGCCGGAATCGCCCTGCTTGATGCTCAAGGATATGCAGCTGTCCTCACAGTAG-3'
Protein context (NP_115495.3, residues 2787-2807): VILYDVRTQG[Val2797Ile]PPAGIALLDA

ClinVar aggregate classification (germline): Uncertain significance. Review status: criteria provided, multiple submitters, no conflicts (2 of 4 stars). 2 submissions from 2 submitters: Uncertain significance (2). Last evaluated 2024-02-17.

Allele frequency attached by ClinVar (database versions not stated): TOPMed below 0.00001; gnomAD 0.00001; gnomAD exomes 0.00002; ExAC 0.00006.
gnomAD v4.1: 36 of 1,612,980 alleles (0.0022%); highest among the groups gnomAD compares: South Asian, 0.036%; 1 homozygote.

Submissions (2):

Labcorp Genetics (formerly Invitae), Labcorp
Classification: Uncertain significance. Last evaluated: 2024-02-17. Review status: criteria provided, single submitter. Criteria: Invitae Variant Classification Sherloc (09022015). Collection method: clinical testing. Allele origin: germline.
Comment: This sequence change replaces valine, which is neutral and non-polar, with isoleucine, which is neutral and non-polar, at codon 2797 of the ADGRV1 protein (p.Val2797Ile). This variant is present in population databases (rs763583088, gnomAD 0.03%). This variant has not been reported in the literature in individuals affected with ADGRV1-related conditions. ClinVar contains an entry for this variant (Variation ID: 1949891). Algorithms developed to predict the effect of missense changes on protein structure and function output the following: SIFT: "Not Available"; PolyPhen-2: "Benign"; Align-GVGD: "Not Available". The isoleucine amino acid residue is found in multiple mammalian species, which suggests that this missense change does not adversely affect protein function. In summary, the available evidence is currently insufficient to determine the role of this variant in disease. Therefore, it has been classified as a Variant of Uncertain Significance.

Blueprint Genetics
Classification: Uncertain significance. Last evaluated: 2019-10-14. Review status: criteria provided, single submitter. Criteria: ACMG Guidelines, 2015. Collection method: clinical testing. Allele origin: germline.